The following is an entry in ClinVar:

NM_022168.4(IFIH1):c.271G>A (p.Ala91Thr)

Gene: IFIH1 (interferon induced with helicase C domain 1; minus strand). Cytogenetic location: 2q24.2.
Variant type: single nucleotide variant.
Coding change: c.271G>A on transcript NM_022168.4 (MANE Select); coding-DNA position 271, G replaced by A.
Protein change: p.Ala91Thr; replaces alanine 91 with threonine.
Molecular consequence: missense variant.
Genome position (GRCh38, 1-based): chr2:162,318,037, C>T on the plus strand (G>A on the coding strand, the complement: IFIH1 is on the minus strand). VCF-style: chr2-162318037-C-T. GRCh37 (hg19) VCF-style: chr2-163174547-C-T.
Other names: short protein forms A91T.
Identifiers: ClinVar variation 4793543 (VCV004793543.1).

ClinVar aggregate classification (germline): Uncertain significance (1 of 4 stars; one submission).

Conditions:
Aicardi-Goutieres syndrome 7 (AGS7). Identifiers: Orphanet 51, MedGen C3888244, MONDO:0014367, OMIM 615846.
Singleton-Merten syndrome 1 (SGMRT1). Also called: Widened medullary cavities of bone, aortic calcification, abnormal dentition, and muscular weakness; Syndrome of widened medullary cavities of the metacarpals and phalanges, aortic calcification and abnormal dentition. Identifiers: Orphanet 85191, MedGen C4225427, MONDO:0024535, OMIM 182250.

gnomAD v4.1: 2 of 1,614,152 alleles (0.00012%); highest among the groups gnomAD compares: East Asian, 0.0022%; no homozygotes.

Submission:

Labcorp Genetics (formerly Invitae), Labcorp
Classification: Uncertain significance for Aicardi-Goutieres syndrome 7; Singleton-Merten syndrome 1. Last evaluated: 2025-07-14. Review status: criteria provided, single submitter. Criteria: Invitae Variant Classification Sherloc (09022015). Collection method: clinical testing. Allele origin: germline.
Comment: This sequence change replaces alanine, which is neutral and non-polar, with threonine, which is neutral and polar, at codon 91 of the IFIH1 protein (p.Ala91Thr). This variant is not present in population databases (gnomAD no frequency). This variant has not been reported in the literature in individuals affected with IFIH1-related conditions. Invitae Evidence Modeling of protein sequence and biophysical properties (such as structural, functional, and spatial information, amino acid conservation, physicochemical variation, residue mobility, and thermodynamic stability) has been performed for this missense variant. However, the output from this modeling did not meet the statistical confidence thresholds required to predict the impact of this variant on IFIH1 protein function. In summary, the available evidence is currently insufficient to determine the role of this variant in disease. Therefore, it has been classified as a Variant of Uncertain Significance.